The following is an entry in ClinVar:

NM_024675.4(PALB2):c.1560C>A (p.Cys520Ter)

Gene: PALB2 (partner and localizer of BRCA2; minus strand). Cytogenetic location: 16p12.2.
Variant type: single nucleotide variant.
Coding change: c.1560C>A on transcript NM_024675.4 (MANE Select); coding-DNA position 1560, C replaced by A.
Protein change: p.Cys520Ter; replaces cysteine 520 with a stop codon.
Molecular consequence: nonsense. On other transcripts: intron variant (3).
Genome position (GRCh38, 1-based): chr16:23,634,986, G>T on the plus strand (C>A on the coding strand, the complement: PALB2 is on the minus strand). VCF-style: chr16-23634986-G-T. GRCh37 (hg19) VCF-style: chr16-23646307-G-T.
Other names: c.1500C>A, p.Cys500Ter (NM_001407296.1); c.1560C>A, p.Cys520Ter (NM_001407297.1, NM_001407298.1, NM_001407299.1 and 3 more transcripts); c.675C>A, p.Cys225Ter (NM_001407304.1, NM_001407305.1, NM_001407306.1 and 5 more transcripts); c.49-5711C>A (NM_001407314.1); c.-104-4517C>A (NM_001407313.1, NM_001407312.1); short protein forms C225*, C500*, C520*.
Identifiers: ClinVar variation 2573229 (VCV002573229.3), dbSNP rs2142412586, ClinGen allele CA395130763.

ClinVar aggregate classification (germline): Pathogenic. Review status: criteria provided, multiple submitters, no conflicts (2 of 4 stars). 2 submissions from 2 submitters: Pathogenic (2). Last evaluated 2025-01-15.

Conditions:
PALB2-related cancer predisposition. Identifiers: MedGen CN377761, MONDO:0700272.
Familial cancer of breast. Also called: hereditary breast carcinoma; Hereditary breast cancer; BREAST CANCER, FAMILIAL. Identifiers: Orphanet 227535, MedGen C0346153, MONDO:0016419, OMIM 114480. Disease mechanism: loss of function.

Submissions (2):

Victorian Clinical Genetics Services, Murdoch Childrens Research Institute
Classification: Pathogenic for PALB2-related cancer predisposition. Last evaluated: 2025-01-15. Review status: criteria provided, single submitter. Criteria: ACMG Guidelines, 2015. Collection method: clinical testing. Allele origin: germline.
Comment: This variant is classified as Pathogenic. Evidence in support of pathogenic classification: Variant is predicted to cause nonsense-mediated decay (NMD) and loss of protein (premature termination codon is located at least 54 nucleotides upstream of the final exon-exon junction); Variant is absent from gnomAD (v2, v3 and v4); This variant has limited previous evidence of pathogenicity in an unrelated individual(s). This variant has been classified as pathogenic by a clinical laboratory in ClinVar; Other NMD-predicted variant(s) comparable to the one identified in this case have very strong previous evidence for pathogenicity (DECIPHER). Additional information: This variant is heterozygous; This gene is associated with both recessive and dominant disease. Biallelic variants in this gene are associated with fanconi anaemia, complementation group N (MIM#610832), while monoallelic variants are associated with PALB2-related cancer predisposition (MONDO:0700272); No published segregation evidence has been identified for this variant; No published functional evidence has been identified for this variant; Loss of function is a known mechanism of disease in this gene and is associated with fanconi anaemia, complementation group N (MIM#610832) and PALB2-related cancer predisposition (MONDO:0700272); Inheritance information for this variant is not currently available in this individual.

Myriad Genetics, Inc.
Classification: Pathogenic for Familial cancer of breast. Last evaluated: 2023-02-07. Review status: criteria provided, single submitter. Criteria: Myriad Autosomal Dominant, Autosomal Recessive and X-Linked Classification Criteria (2023). Collection method: clinical testing. Allele origin: unknown.
Comment: This variant is considered pathogenic. This variant creates a termination codon and is predicted to result in premature protein truncation.